The following is an entry in ClinVar:

ClinVar aggregate classification (germline): Likely pathogenic (1 of 4 stars; one submission).

Conditions:
Congenital disorder of glycosylation, type IIcc. Also called: CDG IIcc. Identifiers: MedGen C6065919, MONDO:0980705, OMIM 621381.

Submission:

First Genomix Gene Laboratory, Genetic Diagnostics Department
Classification: Likely pathogenic for Congenital disorder of glycosylation, type IIcc. Last evaluated: 2025-12-28. Review status: criteria provided, single submitter. Criteria: ACMG Guidelines, 2015. Collection method: clinical testing. Allele origin: germline. Inheritance: Autosomal recessive inheritance. Affected: no. Observed: 1 variant allele.

NM_020120.4(UGGT1):c.218_219del (p.Gln73fs)

Gene: UGGT1 (UDP-glucose glycoprotein glucosyltransferase 1; plus strand). Cytogenetic location: 2q14.3.
Variant type: Deletion.
Coding change: c.218_219del on transcript NM_020120.4 (MANE Select); coding-DNA positions 218 to 219, 2 bases deleted (AA; older notation c.218_219delAA).
Protein change: p.Gln73fs; shifts the reading frame from glutamine 73.
Molecular consequence: frameshift variant. On other transcripts: non-coding transcript variant (1).
Genome position (GRCh38, 1-based): chr2:128,103,955-128,103,956, AA deleted. VCF-style (leftmost placement, unchanged base first): chr2-128103954-CAA-C. GRCh37 (hg19) VCF-style: chr2-128861528-CAA-C.
Other names: short protein forms Q73fs.
Identifiers: ClinVar variation 4850619 (VCV004850619.1).